The following is an entry in ClinVar:

NM_005120.3(MED12):c.6302_6303insACAGCAACAGCAGCAGCA (p.Gln2115_His2116insGlnGlnGlnGlnGlnGln)

Gene: MED12 (mediator complex subunit 12; plus strand). Cytogenetic location: Xq13.1.
Variant type: Microsatellite.
Coding change: c.6302_6303insACAGCAACAGCAGCAGCA on transcript NM_005120.3 (MANE Select); coding-DNA positions 6302 to 6303, ACAGCAACAGCAGCAGCA inserted.
Protein change: p.Gln2115_His2116insGlnGlnGlnGlnGlnGln.
Molecular consequence: inframe insertion.
Genome position: GRCh38 VCF-style: chrX-71141253-G-GCAGCAGCAGCAACAGCAA. GRCh37 (hg19) VCF-style: chrX-70361103-G-GCAGCAGCAGCAACAGCAA.
Identifiers: ClinVar variation 3389153 (VCV003389153.14).

ClinVar aggregate classification (germline): Uncertain significance (1 of 4 stars; one submission).

Submission:

CeGaT Center for Human Genetics Tuebingen
Classification: Uncertain significance. Last evaluated: 2024-11-01. Review status: criteria provided, single submitter. Criteria: CeGaT Center For Human Genetics Tuebingen Variant Classification Criteria Version 2. Collection method: clinical testing. Allele origin: germline. Affected: yes. Observed: 1 variant allele.
Comment: MED12: PM2, BP3